The following is an entry in ClinVar:

ClinVar aggregate classification (germline): Conflicting classifications of pathogenicity. Review status: criteria provided, conflicting classifications (1 of 4 stars). 2 submissions from 2 submitters: Uncertain significance (1); Likely benign (1). Last evaluated 2025-12-03.

Conditions:
Multiple epiphyseal dysplasia type 5 (EDM5). Also called: MATN3-Related Multiple Epiphyseal Dysplasia; Microepiphyseal dysplasia, bilateral hereditary. Identifiers: Orphanet 93311, MedGen C1846843, MONDO:0011765, OMIM 607078.
Inborn genetic diseases. Identifiers: MedGen C0950123, MeSH D030342.

Allele frequency attached by ClinVar (database versions not stated): gnomAD exomes 0.00001 and 0.00002; TOPMed 0.00003; ExAC 0.00004.
gnomAD v4.1: 22 of 1,603,726 alleles (0.0014%); highest among the groups gnomAD compares: Middle Eastern, 0.017%; no homozygotes.

Submissions (2):

Ambry Genetics
Classification: Uncertain significance for Inborn genetic diseases. Last evaluated: 2025-12-03. Review status: criteria provided, single submitter. Criteria: Ambry Variant Classification Scheme 2023. Collection method: clinical testing. Allele origin: germline.

Illumina Laboratory Services, Illumina
Classification: Likely benign for Multiple epiphyseal dysplasia type 5. Last evaluated: 2018-01-13. Review status: criteria provided, single submitter. Criteria: ICSL Variant Classification Criteria 13 December 2019. Collection method: clinical testing. Allele origin: germline.
Comment: This variant was observed in the ICSL laboratory as part of a predisposition screen in an ostensibly healthy population. It had not been previously curated by ICSL or reported in the Human Gene Mutation Database (HGMD: prior to June 1st, 2018), and was therefore a candidate for classification through an automated scoring system. Utilizing variant allele frequency, disease prevalence and penetrance estimates, and inheritance mode, an automated score was calculated to assess if this variant is too frequent to cause the disease. Based on the score and internal cut-off values, a variant classified as likely benign is not then subjected to further curation. The score for this variant resulted in a classification of likely benign for this disease.

NM_002381.5(MATN3):c.275G>A (p.Arg92His)

Gene: MATN3 (matrilin 3; minus strand). Cytogenetic location: 2p24.1.
Variant type: single nucleotide variant.
Coding change: c.275G>A on transcript NM_002381.5 (MANE Select); coding-DNA position 275, G replaced by A.
Protein change: p.Arg92His; replaces arginine 92 with histidine.
Molecular consequence: missense variant.
Genome position (GRCh38, 1-based): chr2:20,006,259, C>T on the plus strand (G>A on the coding strand, the complement: MATN3 is on the minus strand). VCF-style: chr2-20006259-C-T. GRCh37 (hg19) VCF-style: chr2-20206020-C-T.
Other names: short protein forms R92H.
Identifiers: ClinVar variation 897313 (VCV000897313.5), dbSNP rs774204299, ClinGen allele CA1544001.
Genomic context (GRCh38, chr2:20,006,259, plus strand): 5'-GTGTCGATTATCCGGGAGACAAAAGTTTTCACTTTGGTGAATTCCAGGGGCCGTACGCTA[C>T]GAGAACTATCAATGATAAACACCAGGTCCAAGGGTCTGCTCTTGCAAACACCTGCAAAAG-3'
Protein context (NP_002372.1, residues 82-102): LDLVFIIDSS[Arg92His]SVRPLEFTKV